The following is an entry in ClinVar:

ClinVar aggregate classification (germline): Pathogenic (1 of 4 stars; one submission).

Conditions:
Dilated cardiomyopathy 1G (CMD1G). Identifiers: Orphanet 154, MedGen C1858763, MONDO:0011400, OMIM 604145.
Autosomal recessive limb-girdle muscular dystrophy type 2J (LGMDR10). Also called: Limb-girdle muscular dystrophy, type 2J; MUSCULAR DYSTROPHY, LIMB-GIRDLE, AUTOSOMAL RECESSIVE 10. Identifiers: Orphanet 140922, MedGen C1837342, MONDO:0012127, OMIM 608807.

Submission:

Labcorp Genetics (formerly Invitae), Labcorp
Classification: Pathogenic for Dilated cardiomyopathy 1G; Autosomal recessive limb-girdle muscular dystrophy type 2J. Last evaluated: 2023-12-06. Review status: criteria provided, single submitter. Criteria: Invitae Variant Classification Sherloc (09022015). Collection method: clinical testing. Allele origin: germline.
Comment: This sequence change creates a premature translational stop signal (p.Lys34583Asnfs*23) in the TTN gene. While this is not anticipated to result in nonsense mediated decay, it is expected to create a truncated TTN protein. This variant is not present in population databases (gnomAD no frequency). This premature translational stop signal has been observed in individual(s) with clinical features of myopathy and muscular dystrophy (Invitae). In at least one individual the data is consistent with being in trans (on the opposite chromosome) from a pathogenic variant. ClinVar contains an entry for this variant (Variation ID: 959248). This variant is located in the M band of TTN (PMID: 25589632). Truncating variants in this region have been previously reported in individuals affected with autosomal recessive myopathy and muscular dystrophy (PMID: 18948003, 23975875, 24395473). Truncating variants in this region have also been identified in individuals affected with autosomal dominant dilated cardiomyopathy and/or cardio-related conditions (PMID: 27869827, 32964742). For these reasons, this variant has been classified as Pathogenic.

Literature cited by the submitters: PubMed 25589632; PubMed 18948003; PubMed 23975875; PubMed 24395473; PubMed 27869827; PubMed 32964742.

NM_001267550.2(TTN):c.103749del (p.Lys34583fs)

Genes: TTN-AS1 (TTN antisense RNA 1; plus strand), TTN (titin; minus strand). Cytogenetic location: 2q31.2.
Variant type: Deletion.
Coding change: c.103749del on transcript NM_001267550.2 (MANE Select); coding-DNA position 103749, one base deleted (A; older notation c.103749delA).
Protein change: p.Lys34583fs; shifts the reading frame from lysine 34583.
Molecular consequence: frameshift variant.
Genome position (GRCh38, 1-based): chr2:178,532,866, T deleted on the plus strand (A on the coding strand, the reverse complement: TTN is on the minus strand); the first of 3 consecutive T bases (chr2:178,532,866-178,532,868); deleting any one gives the same sequence. VCF-style (leftmost placement, unchanged base first): chr2-178532865-GT-G. GRCh37 (hg19) VCF-style: chr2-179397592-GT-G.
Other names: c.98826del, p.Lys32942fs (NM_001256850.1); c.76554del, p.Lys25518fs (NM_003319.4); c.96045del, p.Lys32015fs (NM_133378.4); c.76929del, p.Lys25643fs (NM_133432.3); c.77130del, p.Lys25710fs (NM_133437.4); short protein forms K25643fs, K32015fs, K25518fs, K25710fs, K32942fs, K34583fs.
Identifiers: ClinVar variation 959248 (VCV000959248.10), dbSNP rs1689787372, ClinGen allele CA1139657384.
Genomic context (GRCh38, chr2:178,532,865, plus strand): 5'-AGAACTGTTCCCATCTTGAAAGGCGGATGCGCTTGGGTCGTTTCTGTACAACTCTGTCAA[GT>G]TTCCCAGGCATTTCATACTGATCACGTATCTTTTTATACCACTTCATGTCAGACATGGGC-3'